The following is an entry in ClinVar:

ClinVar aggregate classification (germline): Pathogenic. Review status: criteria provided, single submitter (1 of 4 stars). 2 submissions from 2 submitters: Pathogenic (1). 1 of the submissions does not count toward it. Last evaluated 2018-05-30.

Conditions:
Tuberous sclerosis 2 (TSC2). Identifiers: Orphanet 805, MedGen C1860707, MONDO:0013199, OMIM 613254.
Tuberous sclerosis syndrome (TSC). Also called: Tuberous Sclerosis Complex; Tuberous sclerosis. Identifiers: Orphanet 805, MedGen C0041341, MONDO:0001734.

Submissions (2):

Labcorp Genetics (formerly Invitae), Labcorp
Classification: Pathogenic for Tuberous sclerosis 2. Last evaluated: 2018-05-30. Review status: criteria provided, single submitter. Criteria: Invitae Variant Classification Sherloc (09022015). Collection method: clinical testing. Allele origin: germline.
Comment: For these reasons, this variant has been classified as Pathogenic. Loss-of-function variants in TSC2 are known to be pathogenic (PMID: 10205261, 17304050). This variant has been reported in an individual in the Leiden Open-source Variation Database (PMID: 21520333). ClinVar contains an entry for this variant (Variation ID: 65036). This variant is not present in population databases (ExAC no frequency). This sequence change creates a premature translational stop signal (p.Val1492Serfs*32) in the TSC2 gene. It is expected to result in an absent or disrupted protein product.

Tuberous sclerosis database (TSC2)
No classification provided. Condition: TSC. Review status: no classification provided. Criteria: Tuberous Sclerosis Database Assertion Criteria 2015. Collection method: curation. Allele origin: germline. Affected: yes. Not counted in ClinVar's aggregate classification.

Literature cited by the submitters: PubMed 10205261 (cited by Labcorp Genetics (formerly Invitae), Labcorp); PubMed 17304050 (cited by Labcorp Genetics (formerly Invitae), Labcorp); PubMed 21520333 (cited by Labcorp Genetics (formerly Invitae), Labcorp).

NM_000548.5(TSC2):c.4473dup (p.Val1492fs)

Gene: TSC2 (TSC complex subunit 2; plus strand). Cytogenetic location: 16p13.3.
Variant type: Duplication.
Coding change: c.4473dup on transcript NM_000548.5 (MANE Select); coding-DNA position 4473, one base duplicated (A; older notation c.4473dupA).
Protein change: p.Val1492fs; shifts the reading frame from valine 1492.
Molecular consequence: frameshift variant.
Genome position (GRCh38, 1-based): chr16:2,084,695, A duplicated; the last of 3 consecutive A bases (chr16:2,084,693-2,084,695); duplicating any one gives the same sequence. VCF-style (leftmost placement, unchanged base first): chr16-2084692-G-GA. GRCh37 (hg19) VCF-style: chr16-2134693-G-GA.
Other names: c.4272dup, p.Val1425fs (NM_001077183.3); c.4404dup, p.Val1469fs (NM_001114382.3); c.4164dup, p.Val1389fs (NM_001318827.2); c.4128dup, p.Val1377fs (NM_001318829.2); c.3741dup, p.Val1248fs (NM_001318831.2); c.4305dup, p.Val1436fs (NM_001318832.2); c.4275dup, p.Val1426fs (NM_001363528.2); c.4341dup, p.Val1448fs (NM_001370404.1); and 1 more; short protein forms V1425fs, V1436fs, V1469fs, V1389fs, V1448fs, V1248fs, V1377fs, V1426fs.
Identifiers: ClinVar variation 65036 (VCV000065036.6), dbSNP rs397515023, ClinGen allele CA020504.